The following is an entry in ClinVar:

NM_004444.5(EPHB4):c.1945del (p.Thr648_Leu649insTer)

Gene: EPHB4 (EPH receptor B4; minus strand). Cytogenetic location: 7q22.1.
Variant type: Deletion.
Coding change: c.1945del on transcript NM_004444.5 (MANE Select); coding-DNA position 1945, one base deleted (C; older notation c.1945delC).
Protein change: p.Thr648_Leu649insTer.
Molecular consequence: nonsense.
Genome position (GRCh38, 1-based): chr7:100,812,920, G deleted on the plus strand (C on the coding strand, the reverse complement: EPHB4 is on the minus strand); the first of 3 consecutive G bases (chr7:100,812,920-100,812,922); deleting any one gives the same sequence. VCF-style (leftmost placement, unchanged base first): chr7-100812919-AG-A. GRCh37 (hg19) VCF-style: chr7-100410541-AG-A.
Identifiers: ClinVar variation 2729982 (VCV002729982.3), dbSNP rs2485016589, ClinGen allele CA2697557480.

ClinVar aggregate classification (germline): Pathogenic (1 of 4 stars; one submission).

Submission:

Labcorp Genetics (formerly Invitae), Labcorp
Classification: Pathogenic. Last evaluated: 2023-10-22. Review status: criteria provided, single submitter. Criteria: Invitae Variant Classification Sherloc (09022015). Collection method: clinical testing. Allele origin: germline.
Comment: This sequence change creates a premature translational stop signal (p.Leu649*) in the EPHB4 gene. It is expected to result in an absent or disrupted protein product. Loss-of-function variants in EPHB4 are known to be pathogenic (PMID: 28687708). This variant is not present in population databases (gnomAD no frequency). This variant has not been reported in the literature in individuals affected with EPHB4-related conditions. For these reasons, this variant has been classified as Pathogenic.

Literature cited by the submitters: PubMed 28687708.